The following is an entry in ClinVar:

ClinVar aggregate classification (germline): Uncertain significance (1 of 4 stars; one submission).

Conditions:
Hereditary cancer-predisposing syndrome. Also called: Tumor predisposition; Hereditary neoplastic syndrome; Hereditary Cancer Syndrome; Neoplastic Syndromes, Hereditary. Identifiers: Orphanet 140162, MedGen C0027672, MeSH D009386, MONDO:0015356.

gnomAD v4.1: 2 of 1,607,464 alleles (0.00012%); highest among the groups gnomAD compares: Non-Finnish European, 0.000085%; no homozygotes.

Submission:

Ambry Genetics
Classification: Uncertain significance for Hereditary cancer-predisposing syndrome. Last evaluated: 2025-01-19. Review status: criteria provided, single submitter. Criteria: Ambry Variant Classification Scheme 2023. Collection method: clinical testing. Allele origin: germline.
Comment: The p.H309R variant (also known as c.926A>G), located in coding exon 9 of the EPCAM gene, results from an A to G substitution at nucleotide position 926. The histidine at codon 309 is replaced by arginine, an amino acid with highly similar properties. This amino acid position is conserved. In addition, this alteration is predicted to be tolerated by in silico analysis. Since supporting evidence is limited at this time, the clinical significance of this alteration remains unclear.

NM_002354.3(EPCAM):c.926A>G (p.His309Arg)

Gene: EPCAM (epithelial cell adhesion molecule; plus strand). Cytogenetic location: 2p21.
Variant type: single nucleotide variant.
Coding change: c.926A>G on transcript NM_002354.3 (MANE Select); coding-DNA position 926, A replaced by G.
Protein change: p.His309Arg; replaces histidine 309 with arginine.
Molecular consequence: missense variant.
Genome position (GRCh38, 1-based): chr2:47,386,594, A>G. VCF-style: chr2-47386594-A-G. GRCh37 (hg19) VCF-style: chr2-47613733-A-G.
Other names: short protein forms H309R.
Identifiers: ClinVar variation 3222150 (VCV003222150.2), dbSNP rs2465490492, ClinGen allele CA346725968.